The following is an entry in ClinVar:

ClinVar aggregate classification (germline): Uncertain significance (1 of 4 stars; one submission).

Conditions:
Multiple congenital anomalies-hypotonia-seizures syndrome 1 (MCAHS1). Also called: PIGN-CDG; Congenital disorder of glycosylation due to PIGN deficiency; GLYCOSYLPHOSPHATIDYLINOSITOL BIOSYNTHESIS DEFECT 3. Identifiers: Orphanet 280633, MedGen C3279775, MONDO:0013563, OMIM 614080.

Submission:

Labcorp Genetics (formerly Invitae), Labcorp
Classification: Uncertain significance for Multiple congenital anomalies-hypotonia-seizures syndrome 1. Last evaluated: 2026-01-17. Review status: criteria provided, single submitter. Criteria: Invitae Variant Classification Sherloc (09022015). Collection method: clinical testing. Allele origin: germline.
Comment: This sequence change replaces glutamic acid, which is acidic and polar, with glycine, which is neutral and non-polar, at codon 202 of the PIGN protein (p.Glu202Gly). Information on the frequency of this variant in the gnomAD database is not available, as this variant may be reported differently in the database. This variant has not been reported in the literature in individuals affected with PIGN-related conditions. An algorithm developed to predict the effect of missense changes on protein structure and function (PolyPhen-2) suggests that this variant is likely to be tolerated. In summary, the available evidence is currently insufficient to determine the role of this variant in disease. Therefore, it has been classified as a Variant of Uncertain Significance.

NM_176787.5(PIGN):c.605_606delinsGA (p.Glu202Gly)

Gene: PIGN (phosphatidylinositol glycan anchor biosynthesis class N; minus strand). Cytogenetic location: 18q21.33.
Variant type: Indel.
Coding change: c.605_606delinsGA on transcript NM_176787.5 (MANE Select); coding-DNA positions 605 to 606, AG replaced by GA.
Protein change: p.Glu202Gly; replaces glutamic acid 202 with glycine.
Molecular consequence: missense variant.
Genome position (GRCh38, 1-based): chr18:62,148,282-62,148,283, CT replaced by TC on the plus strand (AG replaced by GA on the coding strand, the reverse complement: PIGN is on the minus strand). VCF-style: chr18-62148282-CT-TC. GRCh37 (hg19) VCF-style: chr18-59815515-CT-TC.
Other names: c.605_606delinsGA, p.Glu202Gly (NM_001438896.1, NM_001438904.1, NM_001438905.1 and 2 more transcripts); short protein forms E202G.
Identifiers: ClinVar variation 4810438 (VCV004810438.1).
Genomic context (GRCh38, chr18:62,148,282, plus strand): 5'-TGGTCGATGAGCATGTCCGTTTGTATCTATTCCTAATAAATGTAAGAAAAAAACTATTTT[CT>TC]CTTCATTTATTTTAGAAAACAAAGACTGGTTGTTTCTGGCATGATGAAAGAAGTCCTACA-3'
Protein context (NP_789744.1, residues 192-212): NQSLFSKINE[Glu202Gly]KIVFFLHLLG